The following is an entry in ClinVar:

NM_005359.6(SMAD4):c.418G>A (p.Gly140Arg)

Gene: SMAD4 (SMAD family member 4; plus strand). Cytogenetic location: 18q21.2.
Variant type: single nucleotide variant.
Coding change: c.418G>A on transcript NM_005359.6 (MANE Select); coding-DNA position 418, G replaced by A.
Protein change: p.Gly140Arg; replaces glycine 140 with arginine.
Molecular consequence: missense variant.
Genome position (GRCh38, 1-based): chr18:51,048,854, G>A. VCF-style: chr18-51048854-G-A. GRCh37 (hg19) VCF-style: chr18-48575224-G-A.
Other names: c.418G>A, p.Gly140Arg (NM_001407041.1, NM_001407042.1, NM_001407043.1); short protein forms G140R.
Identifiers: ClinVar variation 1738560 (VCV001738560.2), dbSNP rs2511369745, ClinGen allele CA402458876.

ClinVar aggregate classification (germline): Uncertain significance (1 of 4 stars; one submission).

Conditions:
Hereditary cancer-predisposing syndrome. Also called: Hereditary Cancer Syndrome; Hereditary neoplastic syndrome; Neoplastic Syndromes, Hereditary; Tumor predisposition. Identifiers: Orphanet 140162, MedGen C0027672, MeSH D009386, MONDO:0015356.
Familial thoracic aortic aneurysm and aortic dissection (TAAD). Also called: Thoracic aortic aneurysms and dissections. Identifiers: Orphanet 91387, MedGen C4707243, MONDO:0019625.

Submission:

Ambry Genetics
Classification: Uncertain significance for Hereditary cancer-predisposing syndrome; Familial thoracic aortic aneurysm and aortic dissection. Last evaluated: 2021-12-28. Review status: criteria provided, single submitter. Criteria: Ambry Variant Classification Scheme 2023. Collection method: clinical testing. Allele origin: germline.
Comment: The p.G140R variant (also known as c.418G>A), located in coding exon 2 of the SMAD4 gene, results from a G to A substitution at nucleotide position 418. The glycine at codon 140 is replaced by arginine, an amino acid with dissimilar properties. This amino acid position is well conserved in available vertebrate species. In addition, the in silico prediction for this alteration is inconclusive. Since supporting evidence is limited at this time, the clinical significance of this alteration remains unclear.